The following is an entry in ClinVar:

ClinVar aggregate classification (germline): Likely pathogenic (1 of 4 stars; one submission).

Conditions:
Capillary malformation-arteriovenous malformation syndrome. Also called: Capillary malformation-arteriovenous malformation. Identifiers: Orphanet 137667, MedGen C1842180, MONDO:0012016.

Submission:

Labcorp Genetics (formerly Invitae), Labcorp
Classification: Likely pathogenic for Capillary malformation-arteriovenous malformation syndrome. Last evaluated: 2025-04-30. Review status: criteria provided, single submitter. Criteria: Invitae Variant Classification Sherloc (09022015). Collection method: clinical testing. Allele origin: germline.
Comment: This sequence change affects an acceptor splice site in intron 8 of the RASA1 gene. It is expected to disrupt RNA splicing. Variants that disrupt the donor or acceptor splice site typically lead to a loss of protein function (PMID: 16199547), and loss-of-function variants in RASA1 are known to be pathogenic (PMID: 24038909). This variant is not present in population databases (gnomAD no frequency). This variant has not been reported in the literature in individuals affected with RASA1-related conditions. ClinVar contains an entry for this variant (Variation ID: 3729651). Algorithms developed to predict the effect of sequence changes on RNA splicing suggest that this variant may disrupt the consensus splice site. In summary, the currently available evidence indicates that the variant is pathogenic, but additional data are needed to prove that conclusively. Therefore, this variant has been classified as Likely Pathogenic.

Literature cited by the submitters: PubMed 16199547; PubMed 24038909.

NM_002890.3(RASA1):c.1254-1G>A

Genes: CCNH (cyclin H; minus strand), RASA1 (RAS p21 protein activator 1; plus strand). Cytogenetic location: 5q14.3.
Variant type: single nucleotide variant.
Coding change: c.1254-1G>A on transcript NM_002890.3 (MANE Select); the canonical splice acceptor site of the intron before coding-DNA position 1254, G replaced by A.
Molecular consequence: splice acceptor variant. On other transcripts: intron variant (1).
Genome position (GRCh38, 1-based): chr5:87,353,156, G>A. VCF-style: chr5-87353156-G-A. GRCh37 (hg19) VCF-style: chr5-86648973-G-A.
Other names: c.723-1G>A (NM_022650.3); c.934-40361C>T (NM_001364075.2).
Identifiers: ClinVar variation 3729651 (VCV003729651.2).
Genomic context (GRCh38, chr5:87,353,156, plus strand): 5'-ATTTTTAAAGATTTTGCAGTTTTATGAGACAGATTAATACTAGAAATTTTTATTTTAACA[G>A]CATTGGGGACATCATAGATCACTATCGAAAAGAACAGATTGTTGAAGGATATTATCTTAA-3'